The following is an entry in ClinVar:

ClinVar aggregate classification (germline): Benign/Likely benign. Review status: criteria provided, multiple submitters, no conflicts (2 of 4 stars). 3 submissions from 3 submitters: Benign (1); Likely benign (2). Last evaluated 2025-12-20.

Conditions:
Hereditary cancer-predisposing syndrome. Also called: Neoplastic Syndromes, Hereditary; Hereditary Cancer Syndrome; Hereditary neoplastic syndrome; Tumor predisposition. Identifiers: Orphanet 140162, MedGen C0027672, MeSH D009386, MONDO:0015356.
Tuberous sclerosis 2 (TSC2). Identifiers: Orphanet 805, MedGen C1860707, MONDO:0013199, OMIM 613254.

Submissions (3):

Labcorp Genetics (formerly Invitae), Labcorp
Classification: Likely benign for Tuberous sclerosis 2. Last evaluated: 2025-12-20. Review status: criteria provided, single submitter. Criteria: Invitae Variant Classification Sherloc (09022015). Collection method: clinical testing. Allele origin: germline.

Myriad Genetics, Inc.
Classification: Benign for Tuberous sclerosis 2. Last evaluated: 2025-06-03. Review status: criteria provided, single submitter. Criteria: Myriad Autosomal Dominant, Autosomal Recessive and X-Linked Classification Criteria (2023). Collection method: clinical testing. Allele origin: unknown.
Comment: This variant is considered benign. This variant is a silent/synonymous amino acid change and it is not expected to impact splicing.

Ambry Genetics
Classification: Likely benign for Hereditary cancer-predisposing syndrome. Last evaluated: 2022-08-17. Review status: criteria provided, single submitter. Criteria: Ambry Variant Classification Scheme 2023. Collection method: clinical testing. Allele origin: germline.

NM_000548.5(TSC2):c.4251G>A (p.Arg1417=)

Gene: TSC2 (TSC complex subunit 2; plus strand). Cytogenetic location: 16p13.3.
Variant type: single nucleotide variant.
Coding change: c.4251G>A on transcript NM_000548.5 (MANE Select); coding-DNA position 4251, G replaced by A.
Protein change: p.Arg1417=; no amino-acid change (arginine 1417 retained).
Molecular consequence: synonymous variant.
Genome position (GRCh38, 1-based): chr16:2,084,473, G>A. VCF-style: chr16-2084473-G-A. GRCh37 (hg19) VCF-style: chr16-2134474-G-A.
Other names: c.4050G>A, p.Arg1350= (NM_001077183.3); c.4182G>A, p.Arg1394= (NM_001114382.3); c.3942G>A, p.Arg1314= (NM_001318827.2); c.3906G>A, p.Arg1302= (NM_001318829.2); c.3519G>A, p.Arg1173= (NM_001318831.2); c.4083G>A, p.Arg1361= (NM_001318832.2); c.4053G>A, p.Arg1351= (NM_001363528.2); c.4119G>A, p.Arg1373= (NM_001370404.1); and 1 more.
Identifiers: ClinVar variation 1115703 (VCV001115703.12), dbSNP rs1455362130, ClinGen allele CA493043307.